The following is an entry in ClinVar:

NM_021930.6(RINT1):c.1072A>G (p.Ile358Val)

Gene: RINT1 (RAD50 interactor 1; plus strand). Cytogenetic location: 7q22.3.
Variant type: single nucleotide variant.
Coding change: c.1072A>G on transcript NM_021930.6 (MANE Select); coding-DNA position 1072, A replaced by G.
Protein change: p.Ile358Val; replaces isoleucine 358 with valine.
Molecular consequence: missense variant. On other transcripts: non-coding transcript variant (1).
Genome position (GRCh38, 1-based): chr7:105,550,130, A>G. VCF-style: chr7-105550130-A-G. GRCh37 (hg19) VCF-style: chr7-105190577-A-G.
Other names: c.838A>G, p.Ile280Val (NM_001346599.2); c.49A>G, p.Ile17Val (NM_001346600.2, NM_001346603.2); c.148A>G, p.Ile50Val (NM_001346601.2); short protein forms I17V, I280V, I358V, I50V.
Identifiers: ClinVar variation 4863320 (VCV004863320.1).

ClinVar aggregate classification (germline): Uncertain significance (1 of 4 stars; one submission).

Submission:

Ambry Genetics
Classification: Uncertain significance. Last evaluated: 2026-03-17. Review status: criteria provided, single submitter. Criteria: Ambry Variant Classification Scheme 2023. Collection method: clinical testing. Allele origin: germline.
Comment: The p.I358V variant (also known as c.1072A>G), located in coding exon 8 of the RINT1 gene, results from an A to G substitution at nucleotide position 1072. The isoleucine at codon 358 is replaced by valine, an amino acid with highly similar properties. This amino acid position is conserved. In addition, this alteration is predicted to be tolerated by in silico analysis. Based on the available evidence, the clinical significance of this variant remains unclear.